The following is an entry in ClinVar:

NM_000340.2(SLC2A2):c.482dup (p.Gly162fs)

Gene: SLC2A2 (solute carrier family 2 member 2; minus strand). Cytogenetic location: 3q26.2.
Variant type: Duplication.
Coding change: c.482dup on transcript NM_000340.2 (MANE Select); coding-DNA position 482, one base duplicated (C; older notation c.482dupC).
Protein change: p.Gly162fs; shifts the reading frame from glycine 162.
Molecular consequence: frameshift variant. On other transcripts: intron variant (1).
Genome position (GRCh38, 1-based): chr3:171,009,972, G duplicated on the plus strand (C on the coding strand, the reverse complement: SLC2A2 is on the minus strand). VCF-style (leftmost placement, unchanged base first): chr3-171009971-T-TG. GRCh37 (hg19) VCF-style: chr3-170727760-T-TG.
Other names: c.125dup, p.Gly43fs (NM_001278658.2); c.-23-2709dup (NM_001278659.2); short protein forms G162fs, G43fs.
Identifiers: ClinVar variation 2572454 (VCV002572454.1), dbSNP rs2473906350, ClinGen allele CA2580616010.

ClinVar aggregate classification (germline): Pathogenic (1 of 4 stars; one submission).

Conditions:
Fanconi-Bickel syndrome (FBS). Also called: FANCONI SYNDROME WITH INTESTINAL MALABSORPTION AND GALACTOSE INTOLERANCE; HEPATIC GLYCOGENOSIS WITH AMINO ACIDURIA AND GLUCOSURIA; HEPATIC GLYCOGENOSIS WITH FANCONI NEPHROPATHY; HEPATORENAL GLYCOGENOSIS WITH RENAL FANCONI SYNDROME; PSEUDO-PHLORIZIN DIABETES; Glycogen storage disease due to GLUT2 deficiency. Identifiers: Orphanet 2088, MedGen C3495427, MONDO:0009216, OMIM 227810.

Submission:

3billion
Classification: Pathogenic for Fanconi-Bickel syndrome. Review status: criteria provided, single submitter. Criteria: ACMG Guidelines, 2015. Collection method: clinical testing. Allele origin: unknown. Affected: yes. Observed: 1 homozygote.
Comment: The variant is not observed in the gnomAD v2.1.1 dataset. The variant is predicted to result in a loss or disruption of normal protein function through nonsense-mediated decay (NMD) or protein truncation. Multiple pathogenic variants are reported downstream of the variant. The variant has been reported to be associated with SLC2A2 related disorder (PMID: 11810292). Therefore, this variant is classified as Pathogenic according to the recommendation of ACMG/AMP guideline.

Literature cited by the submitters: PubMed 11810292.